The following is an entry in ClinVar:

NM_000038.6(APC):c.6213A>G (p.Ile2071Met)

Gene: APC (APC regulator of Wnt signaling pathway; plus strand). Cytogenetic location: 5q22.2.
Variant type: single nucleotide variant.
Coding change: c.6213A>G on transcript NM_000038.6 (MANE Select); coding-DNA position 6213, A replaced by G.
Protein change: p.Ile2071Met; replaces isoleucine 2071 with methionine.
Molecular consequence: missense variant.
Genome position (GRCh38, 1-based): chr5:112,841,807, A>G. VCF-style: chr5-112841807-A-G. GRCh37 (hg19) VCF-style: chr5-112177504-A-G.
Other names: c.6213A>G, p.Ile2071Met (NM_001127510.3, NM_001354895.2); c.6159A>G, p.Ile2053Met (NM_001127511.3); c.6267A>G, p.Ile2089Met (NM_001354896.2); c.6243A>G, p.Ile2081Met (NM_001354897.2); c.6138A>G, p.Ile2046Met (NM_001354898.2); c.6129A>G, p.Ile2043Met (NM_001354899.2); c.6090A>G, p.Ile2030Met (NM_001354900.2); c.6036A>G, p.Ile2012Met (NM_001354901.2); and 5 more; short protein forms I2053M, I2071M, I1945M, I2030M, I2043M, I2012M, I2089M, I1911M.
Identifiers: ClinVar variation 233365 (VCV000233365.16), dbSNP rs876660358, ClinGen allele CA10578423.
Genomic context (GRCh38, chr5:112,841,807, plus strand): 5'-AAAGCCTTCAAGACTCAAGGGTGATAATGAAAAACATAGTCCCAGAAATATGGGTGGCAT[A>G]TTAGGTGAAGATCTGACACTTGATTTGAAAGATATACAGAGACCAGATTCAGAACATGGT-3'
Protein context (NP_000029.2, residues 2061-2081): EKHSPRNMGG[Ile2071Met]LGEDLTLDLK

ClinVar aggregate classification (germline): Conflicting classifications of pathogenicity. Review status: criteria provided, conflicting classifications (1 of 4 stars). 3 submissions from 3 submitters: Uncertain significance (2); Likely benign (1). Last evaluated 2025-04-23.

Conditions:
Hereditary cancer-predisposing syndrome. Also called: Neoplastic Syndromes, Hereditary; Tumor predisposition; Hereditary Cancer Syndrome; Hereditary neoplastic syndrome. Identifiers: Orphanet 140162, MedGen C0027672, MeSH D009386, MONDO:0015356.
Familial adenomatous polyposis 1 (FAP1). Also called: FAMILIAL ADENOMATOUS POLYPOSIS 1, ATTENUATED; POLYPOSIS, ADENOMATOUS INTESTINAL. Identifiers: MedGen C2713442, MONDO:0021056, OMIM 175100. Disease mechanism: loss of function.

Submissions (3):

Labcorp Genetics (formerly Invitae), Labcorp
Classification: Uncertain significance for Familial adenomatous polyposis 1. Last evaluated: 2025-04-23. Review status: criteria provided, single submitter. Criteria: Invitae Variant Classification Sherloc (09022015). Collection method: clinical testing. Allele origin: germline.
Comment: This sequence change replaces isoleucine, which is neutral and non-polar, with methionine, which is neutral and non-polar, at codon 2071 of the APC protein (p.Ile2071Met). This variant is not present in population databases (gnomAD no frequency). This variant has not been reported in the literature in individuals affected with APC-related conditions. ClinVar contains an entry for this variant (Variation ID: 233365). Invitae Evidence Modeling of protein sequence and biophysical properties (such as structural, functional, and spatial information, amino acid conservation, physicochemical variation, residue mobility, and thermodynamic stability) indicates that this missense variant is not expected to disrupt APC protein function with a negative predictive value of 95%. In summary, the available evidence is currently insufficient to determine the role of this variant in disease. Therefore, it has been classified as a Variant of Uncertain Significance.

Color Diagnostics, LLC DBA Color Health
Classification: Uncertain significance for Hereditary cancer-predisposing syndrome. Last evaluated: 2024-03-06. Review status: criteria provided, single submitter. Criteria: ACMG Guidelines, 2015. Collection method: clinical testing. Allele origin: germline.
Comment: This missense variant replaces isoleucine with methionine at codon 2071 of the APC protein. Computational prediction suggests that this variant may not impact protein structure and function (internally defined REVEL score threshold <= 0.5, PMID: 27666373). To our knowledge, functional studies have not been reported for this variant. This variant has not been reported in individuals affected with hereditary cancer in the literature. This variant has not been identified in the general population by the Genome Aggregation Database (gnomAD). The available evidence is insufficient to determine the role of this variant in disease conclusively. Therefore, this variant is classified as a Variant of Uncertain Significance.

Ambry Genetics
Classification: Likely benign for Hereditary cancer-predisposing syndrome. Last evaluated: 2022-05-25. Review status: criteria provided, single submitter. Criteria: Ambry Variant Classification Scheme 2023. Collection method: clinical testing. Allele origin: germline.